The following is an entry in ClinVar:

NM_015627.3(LDLRAP1):c.21G>A (p.Ala7=)

Genes: LDLRAP1 (low density lipoprotein receptor adaptor protein 1; plus strand), LOC129929773 (ATAC-STARR-seq lymphoblastoid silent region 456; plus strand). Cytogenetic location: 1p36.11.
Variant type: single nucleotide variant.
Coding change: c.21G>A on transcript NM_015627.3 (MANE Select); coding-DNA position 21, G replaced by A.
Protein change: p.Ala7=; no amino-acid change (alanine 7 retained).
Molecular consequence: synonymous variant.
Genome position (GRCh38, 1-based): chr1:25,543,719, G>A. VCF-style: chr1-25543719-G-A. GRCh37 (hg19) VCF-style: chr1-25870210-G-A.
Other names: c.21G>A (NM_015627.2).
Identifiers: ClinVar variation 1152782 (VCV001152782.13), dbSNP rs1397505429, ClinGen allele CA416741812.

ClinVar aggregate classification (germline): Likely benign. Review status: criteria provided, multiple submitters, no conflicts (2 of 4 stars). 4 submissions from 4 submitters: Likely benign (3). 1 of the submissions does not count toward it. Last evaluated 2024-01-25.

Conditions:
Hypercholesterolemia, familial, 4 (FHCL4). Also called: HYPERCHOLESTEROLEMIA, AUTOSOMAL RECESSIVE, 1; HYPERCHOLESTEROLEMIA, AUTOSOMAL RECESSIVE, 2. Identifiers: Orphanet 391665, MedGen C1863512, MONDO:0011374, OMIM 603813.
Cardiovascular phenotype. Identifiers: MedGen CN230736.
LDLRAP1-related disorder. Also called: LDLRAP1-related condition.

Submissions (4):

Labcorp Genetics (formerly Invitae), Labcorp
Classification: Likely benign for Hypercholesterolemia, familial, 4. Last evaluated: 2024-01-25. Review status: criteria provided, single submitter. Criteria: Invitae Variant Classification Sherloc (09022015). Collection method: clinical testing. Allele origin: germline.

Genome-Nilou Lab
Classification: Likely benign for Hypercholesterolemia, familial, 4. Last evaluated: 2023-04-11. Review status: criteria provided, single submitter. Criteria: ACMG Guidelines, 2015. Collection method: clinical testing. Allele origin: germline. Affected: no.

Ambry Genetics
Classification: Likely benign for Cardiovascular phenotype. Last evaluated: 2022-12-06. Review status: criteria provided, single submitter. Criteria: Ambry Variant Classification Scheme 2023. Collection method: clinical testing. Allele origin: germline.

PreventionGenetics, part of Exact Sciences
Classification: Likely benign for LDLRAP1-related condition. Last evaluated: 2023-03-06. Review status: no assertion criteria provided. Collection method: clinical testing. Allele origin: germline. Not counted in ClinVar's aggregate classification.
Comment: This variant is classified as likely benign based on ACMG/AMP sequence variant interpretation guidelines (Richards et al. 2015 PMID: 25741868, with internal and published modifications).